The following is an entry in ClinVar:

NM_000051.4(ATM):c.8398C>T (p.Gln2800Ter)

Genes: ATM (ATM serine/threonine kinase; plus strand), C11orf65 (chromosome 11 open reading frame 65; minus strand). Cytogenetic location: 11q22.3.
Variant type: single nucleotide variant.
Coding change: c.8398C>T on transcript NM_000051.4 (MANE Select); coding-DNA position 8398, C replaced by T.
Protein change: p.Gln2800Ter; replaces glutamine 2800 with a stop codon.
Molecular consequence: nonsense. On other transcripts: intron variant (2).
Genome position (GRCh38, 1-based): chr11:108,343,351, C>T. VCF-style: chr11-108343351-C-T. GRCh37 (hg19) VCF-style: chr11-108214078-C-T.
Other names: c.8398C>T, p.Gln2800Ter (NM_001351834.2); c.641-34280G>A (NM_001330368.2); c.695-8059G>A (NM_001351110.2); short protein forms Q2800*.
Identifiers: ClinVar variation 1171818 (VCV001171818.8), dbSNP rs2136952289, ClinGen allele CA382516690.

ClinVar aggregate classification (germline): Pathogenic. Review status: criteria provided, multiple submitters, no conflicts (2 of 4 stars). 2 submissions from 2 submitters: Pathogenic (2). Last evaluated 2022-03-05.

Conditions:
Hereditary cancer-predisposing syndrome. Also called: Neoplastic Syndromes, Hereditary; Tumor predisposition; Hereditary Cancer Syndrome; Hereditary neoplastic syndrome. Identifiers: Orphanet 140162, MedGen C0027672, MeSH D009386, MONDO:0015356.
Ataxia-telangiectasia syndrome (AT). Also called: Ataxia telangiectasia (A-T); ATAXIA-TELANGIECTASIA, COMPLEMENTATION GROUP A; ATAXIA-TELANGIECTASIA, FRESNO VARIANT; Ataxia-telangiectasia; Ataxia-telangiectasia, complementation group E; LOUIS-BAR SYNDROME. Identifiers: Orphanet 100, MedGen C0004135, MONDO:0008840, OMIM 208900.

Submissions (2):

Labcorp Genetics (formerly Invitae), Labcorp
Classification: Pathogenic for Ataxia-telangiectasia syndrome. Last evaluated: 2022-03-05. Review status: criteria provided, single submitter. Criteria: Invitae Variant Classification Sherloc (09022015). Collection method: clinical testing. Allele origin: germline.
Comment: This sequence change creates a premature translational stop signal (p.Gln2800*) in the ATM gene. It is expected to result in an absent or disrupted protein product. Loss-of-function variants in ATM are known to be pathogenic (PMID: 23807571, 25614872). This variant is not present in population databases (gnomAD no frequency). This variant has not been reported in the literature in individuals affected with ATM-related conditions. ClinVar contains an entry for this variant (Variation ID: 1171818). Algorithms developed to predict the effect of sequence changes on RNA splicing suggest that this variant may disrupt the consensus splice site. For these reasons, this variant has been classified as Pathogenic.

Color Diagnostics, LLC DBA Color Health
Classification: Pathogenic for Hereditary cancer-predisposing syndrome. Last evaluated: 2020-12-21. Review status: criteria provided, single submitter. Criteria: ACMG Guidelines, 2015. Collection method: clinical testing. Allele origin: germline.
Comment: This variant changes 1 nucleotide in exon 57 of the ATM gene, creating a premature translation stop signal. This variant is expected to result in an absent or non-functional protein product. To our knowledge, this variant has not been reported in individuals affected with hereditary cancer in the literature. This variant has not been identified in the general population by the Genome Aggregation Database (gnomAD). Loss of ATM function is a known mechanism of disease. Based on the available evidence, this variant is classified as Pathogenic.

Literature cited by the submitters: PubMed 23807571 (cited by Labcorp Genetics (formerly Invitae), Labcorp); PubMed 25614872 (cited by Labcorp Genetics (formerly Invitae), Labcorp).